The following is an entry in ClinVar:

NM_001317778.2(SFTPC):c.526G>T (p.Gly176Cys)

Gene: SFTPC (surfactant protein C; plus strand). Cytogenetic location: 8p21.3.
Variant type: single nucleotide variant.
Coding change: c.526G>T on transcript NM_001317778.2 (MANE Select); coding-DNA position 526, G replaced by T.
Protein change: p.Gly176Cys; replaces glycine 176 with cysteine.
Molecular consequence: missense variant.
Genome position (GRCh38, 1-based): chr8:22,163,991, G>T. VCF-style: chr8-22163991-G-T. GRCh37 (hg19) VCF-style: chr8-22021504-G-T.
Other names: c.526G>T, p.Gly176Cys (NM_001385659.1, NM_001317780.2, NM_001385656.1 and 3 more transcripts); c.385G>T, p.Gly129Cys (NM_001385660.1, NM_001317779.2); c.544G>T, p.Gly182Cys (NM_003018.4, NM_001385653.1, NM_001385654.1 and 2 more transcripts); short protein forms G129C, G176C, G182C.
Identifiers: ClinVar variation 4864375 (VCV004864375.1).

ClinVar aggregate classification (germline): Uncertain significance (1 of 4 stars; one submission).

Conditions:
Hereditary pulmonary alveolar proteinosis. Also called: Pulmonary surfactant metabolism dysfunction. Identifiers: Orphanet 264675, MedGen C3711368, MONDO:0012580.

gnomAD v4.1: 1 of 1,612,524 alleles (0.000062%); highest among the groups gnomAD compares: African/African-American, 0.0013%; no homozygotes.

Submission:

Ambry Genetics
Classification: Uncertain significance for Hereditary pulmonary alveolar proteinosis. Last evaluated: 2026-04-18. Review status: criteria provided, single submitter. Criteria: Ambry Variant Classification Scheme 2023. Collection method: clinical testing. Allele origin: germline.
Comment: The p.G182C variant (also known as c.544G>T), located in coding exon 5 of the SFTPC gene, results from a G to T substitution at nucleotide position 544. The glycine at codon 182 is replaced by cysteine, an amino acid with highly dissimilar properties. This amino acid position is conserved. In addition, the in silico prediction for this alteration is inconclusive. Based on the available evidence, the clinical significance of this variant remains unclear.